The following is an entry in ClinVar:

ClinVar aggregate classification (germline): Conflicting classifications of pathogenicity. Review status: criteria provided, conflicting classifications (1 of 4 stars). 3 submissions from 3 submitters: Likely pathogenic (2); Uncertain significance (1). Last evaluated 2025-03-20.

Conditions:
Schimke immuno-osseous dysplasia (SIOD). Also called: Schimke Immunoosseous Dysplasia. Identifiers: Orphanet 1830, MedGen C0877024, MONDO:0009458, OMIM 242900.

Allele frequency attached by ClinVar (database versions not stated): ExAC 0.00001; gnomAD exomes 0.00001.
gnomAD v4.1: 13 of 1,614,206 alleles (0.00081%); highest among the groups gnomAD compares: Non-Finnish European, 0.00076%; no homozygotes.

Submissions (3):

Natera, Inc.
Classification: Likely pathogenic for Schimke immuno-osseous dysplasia. Last evaluated: 2025-03-20. Review status: criteria provided, single submitter. Criteria: Natera Variant Classification Schema (03/2026). Collection method: clinical testing. Allele origin: germline.
Comment: The c.1439C>T variant in SMARCAL1 is a missense variant predicted to cause substitution of proline to leucine at amino acid 480. This variant is rare in the general population with a frequency below the threshold expected for the associated phenotype(s). This variant has been observed in one or more individuals affected with the associated recessive disease, as either homozygous or compound heterozygous with a second variant (PMID: 31423066, 28796785, 36658659, 22998683). Computational prediction algorithms indicate this variant is likely to affect gene or protein function. Given the available evidence, this variant is classified as Likely Pathogenic.

Revvity Omics, Revvity
Classification: Likely pathogenic for Schimke immuno-osseous dysplasia. Last evaluated: 2021-09-21. Review status: criteria provided, single submitter. Criteria: ACMG Guidelines, 2015. Collection method: clinical testing. Allele origin: germline.

Labcorp Genetics (formerly Invitae), Labcorp
Classification: Uncertain significance for Schimke immuno-osseous dysplasia. Last evaluated: 2021-08-31. Review status: criteria provided, single submitter. Criteria: Invitae Variant Classification Sherloc (09022015). Collection method: clinical testing. Allele origin: germline.
Comment: This sequence change replaces proline with leucine at codon 480 of the SMARCAL1 protein (p.Pro480Leu). The proline residue is highly conserved and there is a moderate physicochemical difference between proline and leucine. This variant is present in population databases (rs758367100, ExAC 0.001%). This missense change has been observed in individual(s) with Schimke immunoosseous dysplasia (PMID: 17089404, 21914180, 22998683). In at least one individual the data is consistent with the variant being in trans (on the opposite chromosome) from a pathogenic variant. Algorithms developed to predict the effect of missense changes on protein structure and function are either unavailable or do not agree on the potential impact of this missense change (SIFT: "Deleterious"; PolyPhen-2: "Probably Damaging"; Align-GVGD: "Class C0"). In summary, the available evidence is currently insufficient to determine the role of this variant in disease. Therefore, it has been classified as a Variant of Uncertain Significance.

Literature cited by the submitters: PubMed 31423066 (cited by Natera, Inc.); PubMed 28796785 (cited by Natera, Inc.); PubMed 36658659 (cited by Natera, Inc.); PubMed 22998683 (cited by Natera, Inc. and Labcorp Genetics (formerly Invitae), Labcorp); PubMed 17089404 (cited by Labcorp Genetics (formerly Invitae), Labcorp); PubMed 21914180 (cited by Labcorp Genetics (formerly Invitae), Labcorp).

NM_014140.4(SMARCAL1):c.1439C>T (p.Pro480Leu)

Gene: SMARCAL1 (SNF2 related chromatin remodeling annealing helicase 1; plus strand). Cytogenetic location: 2q35.
Variant type: single nucleotide variant.
Coding change: c.1439C>T on transcript NM_014140.4 (MANE Select); coding-DNA position 1439, C replaced by T.
Protein change: p.Pro480Leu; replaces proline 480 with leucine.
Molecular consequence: missense variant.
Genome position (GRCh38, 1-based): chr2:216,432,822, C>T. VCF-style: chr2-216432822-C-T. GRCh37 (hg19) VCF-style: chr2-217297545-C-T.
Other names: c.1439C>T, p.Pro480Leu (NM_001127207.2); short protein forms P480L.
Identifiers: ClinVar variation 854528 (VCV000854528.11), dbSNP rs758367100, ClinGen allele CA2097883.